The following is an entry in ClinVar:

ClinVar aggregate classification (germline): Uncertain significance (1 of 4 stars; one submission).

Conditions:
Inborn genetic diseases. Identifiers: MedGen C0950123, MeSH D030342.

Submission:

Ambry Genetics
Classification: Uncertain significance for Inborn genetic diseases. Last evaluated: 2026-08-04. Review status: criteria provided, single submitter. Criteria: Ambry Variant Classification Scheme 2023. Collection method: clinical testing. Allele origin: germline.
Comment: The p.G1299C variant (also known as c.3895G>T), located in coding exon 13 of the ASXL1 gene, results from a G to T substitution at nucleotide position 3895. The glycine at codon 1299 is replaced by cysteine, an amino acid with highly dissimilar properties. This amino acid position is conserved. In addition, this alteration is predicted to be tolerated by in silico analysis. Based on the available evidence, the clinical significance of this variant remains unclear.

NM_015338.6(ASXL1):c.3895G>T (p.Gly1299Cys)

Gene: ASXL1 (ASXL transcriptional regulator 1; plus strand). Cytogenetic location: 20q11.21.
Variant type: single nucleotide variant.
Coding change: c.3895G>T on transcript NM_015338.6 (MANE Select); coding-DNA position 3895, G replaced by T.
Protein change: p.Gly1299Cys; replaces glycine 1299 with cysteine.
Molecular consequence: missense variant.
Genome position (GRCh38, 1-based): chr20:32,436,607, G>T. VCF-style: chr20-32436607-G-T. GRCh37 (hg19) VCF-style: chr20-31024410-G-T.
Other names: c.3712G>T, p.Gly1238Cys (NM_001363734.1); short protein forms G1238C, G1299C.
Identifiers: ClinVar variation 5030198 (VCV005030198.1).
Genomic context (GRCh38, chr20:32,436,607, plus strand): 5'-GTGATCTCCTTTGGTCCAGAGCAGACAGGTCGGGCCCTGGGTGATCAGAGCAATGTTACA[G>T]GCCAAGGGAAGAAGCTTTTTGGCTCTGGGAATGTGGCTGCAACCCTTCAGCGCCCCAGGC-3'
Protein context (NP_056153.2, residues 1289-1309): RALGDQSNVT[Gly1299Cys]QGKKLFGSGN